The following is an entry in ClinVar:

NM_002906.4(RDX):c.1688A>G (p.Lys563Arg)

Gene: RDX (radixin; minus strand). Cytogenetic location: 11q22.3.
Variant type: single nucleotide variant.
Coding change: c.1688A>G on transcript NM_002906.4 (MANE Select); coding-DNA position 1688, A replaced by G.
Protein change: p.Lys563Arg; replaces lysine 563 with arginine.
Molecular consequence: missense variant.
Genome position (GRCh38, 1-based): chr11:110,231,933, T>C on the plus strand (A>G on the coding strand, the complement: RDX is on the minus strand). VCF-style: chr11-110231933-T-C. GRCh37 (hg19) VCF-style: chr11-110102658-T-C.
Other names: c.1688A>G, p.Lys563Arg (NM_001260492.2, NM_001260493.2); c.1280A>G, p.Lys427Arg (NM_001260494.2); c.647A>G, p.Lys216Arg (NM_001260495.2); c.476A>G, p.Lys159Arg (NM_001260496.2); short protein forms K159R, K216R, K427R, K563R.
Identifiers: ClinVar variation 1803398 (VCV001803398.1), dbSNP rs139896690, ClinGen allele CA6269922.

ClinVar aggregate classification (germline): Uncertain significance (1 of 4 stars; one submission).

Allele frequency attached by ClinVar (database versions not stated): gnomAD exomes 0.00002; ExAC 0.00003; gnomAD 0.00009; ESP Exome Variant Server 0.00015; TOPMed 0.00015.
gnomAD v4.1: 40 of 1,613,790 alleles (0.0025%); highest among the groups gnomAD compares: African/African-American, 0.052%; no homozygotes.

Submission:

GeneDx
Classification: Uncertain significance. Last evaluated: 2022-06-10. Review status: criteria provided, single submitter. Criteria: GeneDx Variant Classification Process June 2021. Collection method: clinical testing. Allele origin: germline. Affected: yes.
Comment: In silico analysis supports that this missense variant has a deleterious effect on protein structure/function; Has not been previously published as pathogenic or benign to our knowledge